The following is an entry in ClinVar:

NM_002206.3(ITGA7):c.2164C>T (p.His722Tyr)

Genes: ITGA7 (integrin subunit alpha 7; minus strand), LOC126861535 (CDK7 strongly-dependent group 2 enhancer GRCh37_chr12:56087579-56088778; plus strand). Cytogenetic location: 12q13.2.
Variant type: single nucleotide variant.
Coding change: c.2164C>T on transcript NM_002206.3 (MANE Select); coding-DNA position 2164, C replaced by T.
Protein change: p.His722Tyr; replaces histidine 722 with tyrosine.
Molecular consequence: missense variant.
Genome position (GRCh38, 1-based): chr12:55,694,810, G>A on the plus strand (C>T on the coding strand, the complement: ITGA7 is on the minus strand). VCF-style: chr12-55694810-G-A. GRCh37 (hg19) VCF-style: chr12-56088594-G-A.
Other names: c.2176C>T, p.His726Tyr (NM_001144996.2); c.1885C>T, p.His629Tyr (NM_001144997.2); c.1837C>T, p.His613Tyr (NM_001367993.1); c.820C>T, p.His274Tyr (NM_001367994.1); c.2146C>T, p.His716Tyr (NM_001374465.1); c.2296C>T, p.His766Tyr (NM_001410977.1); c.2158C>T, p.His720Tyr (NM_001414029.1); c.2089C>T, p.His697Tyr (NM_001414030.1); and 4 more; short protein forms H629Y, H722Y, H274Y, H613Y, H726Y, H716Y, H766Y, H697Y.
Identifiers: ClinVar variation 537999 (VCV000537999.1), dbSNP rs1555161168, ClinGen allele CA385183818.

ClinVar aggregate classification (germline): Uncertain significance (1 of 4 stars; one submission).

Conditions:
Congenital muscular dystrophy due to integrin alpha-7 deficiency. Also called: MYOPATHY, CONGENITAL, DUE TO INTEGRIN ALPHA-7 DEFICIENCY; Congenital muscular dystrophy with integrin alpha-7 deficiency; Muscular dystrophy, congenital, due to ITGA7 deficiency. Identifiers: Orphanet 34520, MedGen C2750786, MONDO:0013177, OMIM 613204.

Allele frequency attached by ClinVar (database versions not stated): gnomAD exomes below 0.00001.
gnomAD v4.1: 1 of 1,613,958 alleles (0.000062%); highest among the groups gnomAD compares: Non-Finnish European, 0.000085%; no homozygotes.

Submission:

Labcorp Genetics (formerly Invitae), Labcorp
Classification: Uncertain significance for Congenital muscular dystrophy due to integrin alpha-7 deficiency. Last evaluated: 2017-12-20. Review status: criteria provided, single submitter. Criteria: Invitae Variant Classification Sherloc (09022015). Collection method: clinical testing. Allele origin: germline.
Comment: This sequence change replaces histidine with tyrosine at codon 722 of the ITGA7 protein (p.His722Tyr). The histidine residue is weakly conserved and there is a moderate physicochemical difference between histidine and tyrosine. This variant is not present in population databases (ExAC no frequency). This variant has not been reported in the literature in individuals with ITGA7-related disease. Algorithms developed to predict the effect of missense changes on protein structure and function do not agree on the potential impact of this missense change (SIFT: "Tolerated"; PolyPhen-2: "Possibly Damaging"; Align-GVGD: "Class C0"). In summary, the available evidence is currently insufficient to determine the role of this variant in disease. Therefore, it has been classified as a Variant of Uncertain Significance.